The following is an entry in ClinVar:

NM_145059.3(FCSK):c.3153+4C>T

Gene: FCSK (fucose kinase; plus strand). Cytogenetic location: 16q22.1.
Variant type: single nucleotide variant.
Coding change: c.3153+4C>T on transcript NM_145059.3 (MANE Select); 4 bases into the intron after coding-DNA position 3153, C replaced by T.
Molecular consequence: intron variant.
Genome position (GRCh38, 1-based): chr16:70,479,407, C>T. VCF-style: chr16-70479407-C-T. GRCh37 (hg19) VCF-style: chr16-70513310-C-T.
Other names: c.3153+4C>T (NM_145059.2).
Identifiers: ClinVar variation 1682405 (VCV001682405.10), dbSNP rs17885931, ClinGen allele CA8143883.

ClinVar aggregate classification (germline): Benign. Review status: criteria provided, single submitter (1 of 4 stars). 2 submissions from 2 submitters: Benign (1). 1 of the submissions does not count toward it. Last evaluated 2025-12-03.

Conditions:
FCSK-related disorder. Also called: FCSK-related condition.

Allele frequency attached by ClinVar (database versions not stated): gnomAD exomes 0.00156; gnomAD 0.00553 and 0.00527; ESP Exome Variant Server 0.00558; TOPMed 0.00652; 1000 Genomes Project 30x 0.00796; ExAC 0.00228; 1000 Genomes Project 0.00719.
gnomAD v4.1: 1,998 of 1,610,458 alleles (0.12%); highest among the groups gnomAD compares: African/African-American, 1.9%; 22 homozygotes.

Submissions (2):

Labcorp Genetics (formerly Invitae), Labcorp
Classification: Benign. Last evaluated: 2025-12-03. Review status: criteria provided, single submitter. Criteria: Invitae Variant Classification Sherloc (09022015). Collection method: clinical testing. Allele origin: germline.

PreventionGenetics, part of Exact Sciences
Classification: Benign for FCSK-related condition. Last evaluated: 2019-10-01. Review status: no assertion criteria provided. Collection method: clinical testing. Allele origin: germline. Not counted in ClinVar's aggregate classification.
Comment: This variant is classified as benign based on ACMG/AMP sequence variant interpretation guidelines (Richards et al. 2015 PMID: 25741868, with internal and published modifications).